The following is an entry in ClinVar:

NM_001281775.3(ZMYND8):c.2386A>C (p.Thr796Pro)

Gene: ZMYND8 (zinc finger MYND-type containing 8; minus strand). Cytogenetic location: 20q13.12.
Variant type: single nucleotide variant.
Coding change: c.2386A>C on transcript NM_001281775.3 (MANE Select); coding-DNA position 2386, A replaced by C.
Protein change: p.Thr796Pro; replaces threonine 796 with proline.
Molecular consequence: missense variant. On other transcripts: intron variant (2).
Genome position (GRCh38, 1-based): chr20:47,239,037, T>G on the plus strand (A>C on the coding strand, the complement: ZMYND8 is on the minus strand). VCF-style: chr20-47239037-T-G. GRCh37 (hg19) VCF-style: chr20-45867781-T-G.
Other names: c.2326A>C, p.Thr776Pro (NM_001281772.3, NM_001281773.3, NM_001281774.3 and 1 more transcripts); c.2311A>C, p.Thr771Pro (NM_001281777.3, NM_001281778.3, NM_001281782.3 and 1 more transcripts); c.1582A>C, p.Thr528Pro (NM_001281779.3, NM_001281780.3); c.2170A>C, p.Thr724Pro (NM_001281781.3, NM_001281784.3); c.2386A>C, p.Thr796Pro (NM_001281783.3, NM_012408.6, NM_183047.4); c.2407A>C, p.Thr803Pro (NM_001363714.1); c.2210-2521A>C (NM_001281771.3); c.2285-2521A>C (NM_001281776.3); short protein forms T528P, T724P, T771P, T776P, T796P, T803P.
Identifiers: ClinVar variation 2631752 (VCV002631752.1), dbSNP rs1406141169, ClinGen allele CA409279476.

ClinVar aggregate classification (germline): Uncertain significance (1 of 4 stars; one submission).

Conditions:
ZMYND8-related disorder. Also called: ZMYND8-related condition.

Allele frequency attached by ClinVar (database versions not stated): TOPMed below 0.00001.

Submission:

PreventionGenetics, part of Exact Sciences
Classification: Uncertain significance for ZMYND8-related condition. Last evaluated: 2023-08-22. Review status: criteria provided, single submitter. Criteria: ACMG Guidelines, 2015. Collection method: clinical testing. Allele origin: germline.
Comment: The ZMYND8 c.2407A>C variant is predicted to result in the amino acid substitution p.Thr803Pro. To our knowledge, this variant has not been reported in the literature or in a large population database, indicating this variant is rare. At this time, the clinical significance of this variant is uncertain due to the absence of conclusive functional and genetic evidence.